The following is an entry in ClinVar:

ClinVar aggregate classification (germline): Uncertain significance (1 of 4 stars; one submission).

Conditions:
Cardiovascular phenotype. Identifiers: MedGen CN230736.

Allele frequency attached by ClinVar (database versions not stated): gnomAD exomes below 0.00001 and 0.00001; gnomAD 0.00002.
gnomAD v4.1: 15 of 1,604,058 alleles (0.00094%); highest among the groups gnomAD compares: African/African-American, 0.004%; no homozygotes.

Submission:

Ambry Genetics
Classification: Uncertain significance for Cardiovascular phenotype. Last evaluated: 2023-07-10. Review status: criteria provided, single submitter. Criteria: Ambry Variant Classification Scheme 2023. Collection method: clinical testing. Allele origin: germline.
Comment: The p.M2842V variant (also known as c.8524A>G), located in coding exon 33 of the AKAP9 gene, results from an A to G substitution at nucleotide position 8524. The methionine at codon 2842 is replaced by valine, an amino acid with highly similar properties. This amino acid position is well conserved in available vertebrate species; however, valine is the reference amino acid in other vertebrate species. In addition, this alteration is predicted to be tolerated by in silico analysis. Since supporting evidence is limited at this time, the clinical significance of this alteration remains unclear.

NM_005751.5(AKAP9):c.8524A>G (p.Met2842Val)

Gene: AKAP9 (A-kinase anchoring protein 9; plus strand). Cytogenetic location: 7q21.2.
Variant type: single nucleotide variant.
Coding change: c.8524A>G on transcript NM_005751.5 (MANE Select); coding-DNA position 8524, A replaced by G.
Protein change: p.Met2842Val; replaces methionine 2842 with valine.
Molecular consequence: missense variant.
Genome position (GRCh38, 1-based): chr7:92,083,533, A>G. VCF-style: chr7-92083533-A-G. GRCh37 (hg19) VCF-style: chr7-91712847-A-G.
Other names: c.3169A>G, p.Met1057Val (NM_001379277.1); c.8500A>G, p.Met2834Val (NM_147185.3); short protein forms M2842V, M2834V, M1057V.
Identifiers: ClinVar variation 360840 (VCV000360840.8), dbSNP rs886062477, ClinGen allele CA10626503.